The following is an entry in ClinVar:

NM_002734.5(PRKAR1A):c.862C>G (p.Pro288Ala)

Gene: PRKAR1A (protein kinase cAMP-dependent type I regulatory subunit alpha; plus strand). Cytogenetic location: 17q24.2.
Variant type: single nucleotide variant.
Coding change: c.862C>G on transcript NM_002734.5 (MANE Select); coding-DNA position 862, C replaced by G.
Protein change: p.Pro288Ala; replaces proline 288 with alanine.
Molecular consequence: missense variant.
Genome position (GRCh38, 1-based): chr17:68,528,962, C>G. VCF-style: chr17-68528962-C-G. GRCh37 (hg19) VCF-style: chr17-66525103-C-G.
Other names: c.862C>G, p.Pro288Ala (NM_001276289.2, NM_001276290.1, NM_001278433.2 and 4 more transcripts); short protein forms P288A.
Identifiers: ClinVar variation 3425078 (VCV003425078.3).

ClinVar aggregate classification (germline): Uncertain significance. Review status: criteria provided, multiple submitters, no conflicts (2 of 4 stars). 2 submissions from 2 submitters: Uncertain significance (2). Last evaluated 2024-11-08.

Conditions:
Hereditary cancer-predisposing syndrome. Also called: Neoplastic Syndromes, Hereditary; Tumor predisposition; Hereditary Cancer Syndrome; Hereditary neoplastic syndrome. Identifiers: Orphanet 140162, MedGen C0027672, MeSH D009386, MONDO:0015356.
Carney complex, type 1 (CNC1). Also called: CARNEY MYXOMA-ENDOCRINE COMPLEX; CARNEY COMPLEX, TYPE I. Identifiers: Orphanet 1359, MedGen C2607929, MONDO:0008057, OMIM 160980.

gnomAD v4.1: 1 of 1,613,764 alleles (0.000062%); highest among the groups gnomAD compares: Non-Finnish European, 0.000085%; no homozygotes.

Submissions (2):

Ambry Genetics
Classification: Uncertain significance for Hereditary cancer-predisposing syndrome. Last evaluated: 2024-11-08. Review status: criteria provided, single submitter. Criteria: Ambry Variant Classification Scheme 2023. Collection method: clinical testing. Allele origin: germline.
Comment: The p.P288A variant (also known as c.862C>G), located in coding exon 8 of the PRKAR1A gene, results from a C to G substitution at nucleotide position 862. The proline at codon 288 is replaced by alanine, an amino acid with highly similar properties. This amino acid position is conserved. In addition, the in silico prediction for this alteration is inconclusive. Based on the available evidence, the clinical significance of this variant remains unclear.

Labcorp Genetics (formerly Invitae), Labcorp
Classification: Uncertain significance for Carney complex, type 1. Last evaluated: 2024-06-04. Review status: criteria provided, single submitter. Criteria: Invitae Variant Classification Sherloc (09022015). Collection method: clinical testing. Allele origin: germline.
Comment: This sequence change replaces proline, which is neutral and non-polar, with alanine, which is neutral and non-polar, at codon 288 of the PRKAR1A protein (p.Pro288Ala). This variant is present in population databases (no rsID available, gnomAD 0.0009%). This variant has not been reported in the literature in individuals affected with PRKAR1A-related conditions. Advanced modeling of protein sequence and biophysical properties (such as structural, functional, and spatial information, amino acid conservation, physicochemical variation, residue mobility, and thermodynamic stability) performed at Invitae indicates that this missense variant is not expected to disrupt PRKAR1A protein function with a negative predictive value of 80%. In summary, the available evidence is currently insufficient to determine the role of this variant in disease. Therefore, it has been classified as a Variant of Uncertain Significance.